The following is an entry in ClinVar:

NM_001942.4(DSG1):c.1818dup (p.Arg607fs)

Genes: DSG1 (desmoglein 1; plus strand), DSG1-AS1 (DSG1 antisense RNA 1; minus strand). Cytogenetic location: 18q12.1.
Variant type: Duplication.
Coding change: c.1818dup on transcript NM_001942.4 (MANE Select); coding-DNA position 1818, one base duplicated (C; older notation c.1818dupC).
Protein change: p.Arg607fs; shifts the reading frame from arginine 607.
Molecular consequence: frameshift variant. On other transcripts: non-coding transcript variant (2).
Genome position (GRCh38, 1-based): chr18:31,343,580, C duplicated; the last of 3 consecutive C bases (chr18:31,343,578-31,343,580); duplicating any one gives the same sequence. VCF-style (leftmost placement, unchanged base first): chr18-31343577-A-AC. GRCh37 (hg19) VCF-style: chr18-28923540-A-AC.
Other names: short protein forms R607fs.
Identifiers: ClinVar variation 5043406 (VCV005043406.1).

ClinVar aggregate classification (germline): Pathogenic (1 of 4 stars; one submission).

Conditions:
Palmoplantar keratodermas.

Submission:

Genetics Laboratory, Great Ormond Street Hospital NHS Foundation Trust, North Thames Genomic Laboratory Hub
Classification: Pathogenic for Palmoplantar keratodermas. Last evaluated: 2026-09-22. Review status: criteria provided, single submitter. Criteria: ACGS Best Practice Guidelines for Variant Classification in Rare Disease 2024 v1.2. Collection method: clinical testing. Allele origin: germline. Affected: yes.
Comment: PM2_moderate, PVS1_very-strong